The following is an entry in ClinVar:

NM_001165963.4(SCN1A):c.4979T>C (p.Leu1660Pro)

Genes: SCN1A (sodium voltage-gated channel alpha subunit 1; minus strand), LOC102724058 (uncharacterized LOC102724058; plus strand). Cytogenetic location: 2q24.3.
Variant type: single nucleotide variant.
Coding change: c.4979T>C on transcript NM_001165963.4 (MANE Select); coding-DNA position 4979, T replaced by C.
Protein change: p.Leu1660Pro; replaces leucine 1660 with proline.
Molecular consequence: missense variant. On other transcripts: non-coding transcript variant (1).
Genome position (GRCh38, 1-based): chr2:165,992,296, A>G on the plus strand (T>C on the coding strand, the complement: SCN1A is on the minus strand). VCF-style: chr2-165992296-A-G. GRCh37 (hg19) VCF-style: chr2-166848806-A-G.
Other names: c.4895T>C, p.Leu1632Pro (NM_001165964.3, NM_001353957.2, NM_001353958.2); c.4979T>C, p.Leu1660Pro (NM_001202435.3, NM_001353948.2); c.4946T>C, p.Leu1649Pro (NM_001353949.2, NM_001353950.2, NM_001353951.2 and 2 more transcripts); c.4943T>C, p.Leu1648Pro (NM_001353954.2, NM_001353955.2); c.4892T>C, p.Leu1631Pro (NM_001353960.2); c.2537T>C, p.Leu846Pro (NM_001353961.2); short protein forms L1649P, L1660P, L1632P, L846P, L1631P, L1648P.
Identifiers: ClinVar variation 429924 (VCV000429924.10), dbSNP rs1131691675, ClinGen allele CA349069907.
Genomic context (GRCh38, chr2:165,992,296, plus strand): 5'-ACTAGGAAGAGTAGGAGGCCGATGTTAAACAACGCAGGAAGGGACATCATCAAAGCAAAG[A>G]GCAGCGTGCGGATCCCCTTTGCTCCTTTGATCAGACGTAGGATTCGGCCAATCCTAGCAA-3'
Protein context (NP_001159435.1, residues 1650-1670): IKGAKGIRTL[Leu1660Pro]FALMMSLPAL

ClinVar aggregate classification (germline): Pathogenic. Review status: criteria provided, multiple submitters, no conflicts (2 of 4 stars). 2 submissions from 2 submitters: Pathogenic (2). Last evaluated 2022-08-10.

Conditions:
Early-infantile DEE. Also called: Early infantile epileptic encephalopathy; Ohtahara syndrome; Early infantile epileptic encephalopathy with suppression bursts. Identifiers: Orphanet 1934, MedGen C0393706, MONDO:0800491.

Submissions (2):

Labcorp Genetics (formerly Invitae), Labcorp
Classification: Pathogenic for Early-infantile DEE. Last evaluated: 2022-08-10. Review status: criteria provided, single submitter. Criteria: Invitae Variant Classification Sherloc (09022015). Collection method: clinical testing. Allele origin: germline.
Comment: ClinVar contains an entry for this variant (Variation ID: 429924). This sequence change replaces leucine, which is neutral and non-polar, with proline, which is neutral and non-polar, at codon 1660 of the SCN1A protein (p.Leu1660Pro). This variant is not present in population databases (gnomAD no frequency). This missense change has been observed in individuals with Dravet syndrome (PMID: 21248271, 22409937, 23895530). Advanced modeling of protein sequence and biophysical properties (such as structural, functional, and spatial information, amino acid conservation, physicochemical variation, residue mobility, and thermodynamic stability) performed at Invitae indicates that this missense variant is expected to disrupt SCN1A protein function. For these reasons, this variant has been classified as Pathogenic.

GeneDx
Classification: Pathogenic. Last evaluated: 2019-05-06. Review status: criteria provided, single submitter. Criteria: GeneDx Variant Classification Process June 2021. Collection method: clinical testing. Allele origin: germline. Affected: yes.
Comment: Identified in patients with SCN1A-related disorders referred for genetic testing at GeneDx and in the published literature (Rodda et al., 2012; Zuberi et al., 2011); Not observed in large population cohorts (Lek et al., 2016); This substitution is predicted to be within the intracellular loop between the S4 and S5 transmembrane segments of the fourth homologous domain; In silico analysis, which includes protein predictors and evolutionary conservation, supports a deleterious effect; The majority of missense variants in this gene are considered pathogenic (Stenson et al., 2014); This variant is associated with the following publications: (PMID: 11170622, 21248271, 22409937, 23895530, 29655203, 32090326)

Literature cited by the submitters: PubMed 21248271 (cited by Labcorp Genetics (formerly Invitae), Labcorp); PubMed 22409937 (cited by Labcorp Genetics (formerly Invitae), Labcorp); PubMed 23895530 (cited by Labcorp Genetics (formerly Invitae), Labcorp).